The following is an entry in ClinVar:

ClinVar aggregate classification (germline): Uncertain significance (1 of 4 stars; one submission).

Conditions:
Kabuki syndrome. Also called: NIIKAWA-KUROKI SYNDROME; Kabuki make-up syndrome. Identifiers: Orphanet 2322, MedGen C0796004, MONDO:0016512.

Allele frequency attached by ClinVar (database versions not stated): gnomAD exomes below 0.00001.
gnomAD v4.1: 5 of 1,612,466 alleles (0.00031%); highest among the groups gnomAD compares: African/African-American, 0.0013%; no homozygotes.

Submission:

Labcorp Genetics (formerly Invitae), Labcorp
Classification: Uncertain significance for Kabuki syndrome. Last evaluated: 2023-08-10. Review status: criteria provided, single submitter. Criteria: Invitae Variant Classification Sherloc (09022015). Collection method: clinical testing. Allele origin: germline.
Comment: This sequence change replaces threonine, which is neutral and polar, with methionine, which is neutral and non-polar, at codon 5297 of the KMT2D protein (p.Thr5297Met). The frequency data for this variant in the population databases is considered unreliable, as metrics indicate poor data quality at this position in the gnomAD database. This variant has not been reported in the literature in individuals affected with KMT2D-related conditions. ClinVar contains an entry for this variant (Variation ID: 2158054). Advanced modeling of protein sequence and biophysical properties (such as structural, functional, and spatial information, amino acid conservation, physicochemical variation, residue mobility, and thermodynamic stability) has been performed at Invitae for this missense variant, however the output from this modeling did not meet the statistical confidence thresholds required to predict the impact of this variant on KMT2D protein function. In summary, the available evidence is currently insufficient to determine the role of this variant in disease. Therefore, it has been classified as a Variant of Uncertain Significance.

NM_003482.4(KMT2D):c.15890C>T (p.Thr5297Met)

Gene: KMT2D (lysine methyltransferase 2D; minus strand). Cytogenetic location: 12q13.12.
Variant type: single nucleotide variant.
Coding change: c.15890C>T on transcript NM_003482.4 (MANE Select); coding-DNA position 15890, C replaced by T.
Protein change: p.Thr5297Met; replaces threonine 5297 with methionine.
Molecular consequence: missense variant.
Genome position (GRCh38, 1-based): chr12:49,024,841, G>A on the plus strand (C>T on the coding strand, the complement: KMT2D is on the minus strand). VCF-style: chr12-49024841-G-A. GRCh37 (hg19) VCF-style: chr12-49418624-G-A.
Other names: short protein forms T5297M.
Identifiers: ClinVar variation 2158054 (VCV002158054.4), dbSNP rs1459471282, ClinGen allele CA384682677.
Genomic context (GRCh38, chr12:49,024,841, plus strand): 5'-AGCCCCCCAGCTCCCAGCCCCTTCCTTACTGATTCAGCTATGCGAAGCACGGCATGCACC[G>A]TCAGCCCAAAGAGCTCCTCGCCCTTCAGATACTCAGGGAAGAGTCGCAGCATGTCAGCCT-3'
Protein context (NP_003473.3, residues 5287-5307): YLKGEELFGL[Thr5297Met]VHAVLRIAES